The following is an entry in ClinVar:

NM_002661.5(PLCG2):c.1309A>G (p.Ser437Gly)

Gene: PLCG2 (phospholipase C gamma 2; plus strand). Cytogenetic location: 16q23.3.
Variant type: single nucleotide variant.
Coding change: c.1309A>G on transcript NM_002661.5 (MANE Select); coding-DNA position 1309, A replaced by G.
Protein change: p.Ser437Gly; replaces serine 437 with glycine.
Molecular consequence: missense variant.
Genome position (GRCh38, 1-based): chr16:81,900,727, A>G. VCF-style: chr16-81900727-A-G. GRCh37 (hg19) VCF-style: chr16-81934332-A-G.
Other names: short protein forms S437G.
Identifiers: ClinVar variation 540117 (VCV000540117.13), dbSNP rs200137340, ClinGen allele CA8193689.

ClinVar aggregate classification (germline): Likely benign. Review status: criteria provided, multiple submitters, no conflicts (2 of 4 stars). 2 submissions from 2 submitters: Likely benign (2). Last evaluated 2026-01-01.

Conditions:
PLCG2-related disorder. Also called: PLCG2-related condition.
Familial cold autoinflammatory syndrome 3 (FCAS3). Also called: ANTIBODY DEFICIENCY AND IMMUNE DYSREGULATION, PLCG2-ASSOCIATED; FAMILIAL ATYPICAL COLD URTICARIA. Identifiers: Orphanet 300359, MedGen C3280914, MONDO:0013766, OMIM 614468.

Allele frequency attached by ClinVar (database versions not stated): ESP Exome Variant Server 0.00031; 1000 Genomes Project 0.00040; gnomAD 0.00061 and 0.00069; TOPMed 0.00072; ExAC 0.00024; 1000 Genomes Project 30x 0.00031.
gnomAD v4.1: 177 of 1,611,742 alleles (0.011%); highest among the groups gnomAD compares: African/African-American, 0.2%; no homozygotes.

Submissions (2):

Labcorp Genetics (formerly Invitae), Labcorp
Classification: Likely benign for Familial cold autoinflammatory syndrome 3. Last evaluated: 2026-01-01. Review status: criteria provided, single submitter. Criteria: Invitae Variant Classification Sherloc (09022015). Collection method: clinical testing. Allele origin: germline.

PreventionGenetics, part of Exact Sciences
Classification: Likely benign for PLCG2-related condition. Last evaluated: 2025-03-25. Review status: criteria provided, single submitter. Criteria: ACMG Guidelines, 2015. Collection method: clinical testing. Allele origin: germline.
Comment: This variant is classified as likely benign based on ACMG/AMP sequence variant interpretation guidelines (Richards et al. 2015 PMID: 25741868, with internal and published modifications).